The following is an entry in ClinVar:

NM_000535.7(PMS2):c.292C>G (p.Leu98Val)

Gene: PMS2 (PMS1 homolog 2, mismatch repair system component; minus strand). Cytogenetic location: 7p22.1.
Variant type: single nucleotide variant.
Coding change: c.292C>G on transcript NM_000535.7 (MANE Select); coding-DNA position 292, C replaced by G.
Protein change: p.Leu98Val; replaces leucine 98 with valine.
Molecular consequence: missense variant. On other transcripts: 5 prime UTR variant (9), non-coding transcript variant (1), intron variant (2).
Genome position (GRCh38, 1-based): chr7:6,003,751, G>C on the plus strand (C>G on the coding strand, the complement: PMS2 is on the minus strand). VCF-style: chr7-6003751-G-C. GRCh37 (hg19) VCF-style: chr7-6043382-G-C.
Other names: c.-114C>G (NM_001018040.1, NM_001322003.2, NM_001322004.2 and 14 more transcripts); c.292C>G, p.Leu98Val (NM_001322006.2, NM_001322014.2, NM_001406869.1 and 8 more transcripts); c.-593C>G (NM_001322011.2, NM_001322012.2); c.-193C>G (NM_001322015.2, NM_001406875.1, NM_001406877.1 and 3 more transcripts); c.478C>G, p.Leu160Val (NM_001406866.1); c.316C>G, p.Leu106Val (NM_001406868.1); c.-140C>G (NM_001406880.1); c.-61C>G (NM_001406888.1, NM_001406889.1, NM_001406892.1 and 6 more transcripts); and 2 more; short protein forms L98V, L160V, L106V.
Identifiers: ClinVar variation 1797788 (VCV001797788.3), dbSNP rs1583408706, ClinGen allele CA366744643.

ClinVar aggregate classification (germline): Uncertain significance. Review status: criteria provided, multiple submitters, no conflicts (2 of 4 stars). 2 submissions from 2 submitters: Uncertain significance (2). Last evaluated 2024-05-14.

Conditions:
Hereditary cancer-predisposing syndrome. Also called: Neoplastic Syndromes, Hereditary; Tumor predisposition; Hereditary Cancer Syndrome; Hereditary neoplastic syndrome. Identifiers: Orphanet 140162, MedGen C0027672, MeSH D009386, MONDO:0015356.
Lynch syndrome. Identifiers: Orphanet 144, MedGen C4552100, MONDO:0005835. Disease mechanism: loss of function.

gnomAD v4.1: 1 of 1,603,594 alleles (0.000062%); highest among the groups gnomAD compares: Non-Finnish European, 0.000085%; no homozygotes.

Submissions (2):

All of Us Research Program, National Institutes of Health
Classification: Uncertain significance for Lynch syndrome. Last evaluated: 2024-05-14. Review status: criteria provided, single submitter. Criteria: ACMG Guidelines, 2015. Collection method: clinical testing. Allele origin: germline. Inheritance: Autosomal dominant inheritance. Observed: 1 variant allele, 1 heterozygote.
Comment: This missense variant replaces leucine with valine at codon 98 of the PMS2 protein. Computational prediction suggests that this variant may have deleterious impact on protein structure and function (internally defined REVEL score threshold >= 0.7, PMID: 27666373). To our knowledge, functional studies have not been reported for this variant. This variant has not been reported in individuals affected with PMS2-related disorders in the literature. This variant has not been identified in the general population by the Genome Aggregation Database (gnomAD). The available evidence is insufficient to determine the role of this variant in disease conclusively. Therefore, this variant is classified as a Variant of Uncertain Significance.

This study involves interpretation of variants in research participants for the purpose of population health screening. Participant phenotype was not available at the time of variant classification. Additional details can be found in publication PMID: 35346344, PMCID: PMC8962531

Ambry Genetics
Classification: Uncertain significance for Hereditary cancer-predisposing syndrome. Last evaluated: 2017-10-16. Review status: criteria provided, single submitter. Criteria: Ambry Variant Classification Scheme 2023. Collection method: clinical testing. Allele origin: germline.
Comment: The p.L98V variant (also known as c.292C>G), located in coding exon 4 of the PMS2 gene, results from a C to G substitution at nucleotide position 292. The leucine at codon 98 is replaced by valine, an amino acid with highly similar properties. This amino acid position is highly conserved in available vertebrate species. In addition, this alteration is predicted to be deleterious by in silico analysis. Since supporting evidence is limited at this time, the clinical significance of this alteration remains unclear.